The following is an entry in ClinVar:

ClinVar aggregate classification (germline): Likely pathogenic. Review status: criteria provided, single submitter (1 of 4 stars). 2 submissions from 2 submitters: Likely pathogenic (1). 1 of the submissions does not count toward it. Last evaluated 2020-12-24.

Conditions:
UMOD-related disorder. Also called: UMOD-related condition.

Submissions (2):

GeneDx
Classification: Likely pathogenic. Last evaluated: 2020-12-24. Review status: criteria provided, single submitter. Criteria: GeneDx Variant Classification Process June 2021. Collection method: clinical testing. Allele origin: germline. Affected: yes.
Comment: Not observed in large population cohorts (Lek et al., 2016); In silico analysis supports that this missense variant has a deleterious effect on splicing; In silico analysis supports that this missense variant does not alter protein structure/function; This variant is associated with the following publications: (PMID: 32450155, 33144682, 32954071)

PreventionGenetics, part of Exact Sciences
Classification: Uncertain significance for UMOD-related condition. Last evaluated: 2024-09-19. Review status: no assertion criteria provided. Collection method: clinical testing. Allele origin: germline. Not counted in ClinVar's aggregate classification.
Comment: The UMOD c.254A>G variant is predicted to result in the amino acid substitution p.Asn85Ser. This variant has been reported in an individual with end-stage kidney disease (Table S1. Kidd et al 2020. PubMed ID: 32954071). Another amino acid change at the same codon, p. Asn85Lys, have been reported in association with kidney disease (Lippa et al 2022. PubMed ID: 35078725; Olinger et al 2020. PubMed ID: 32450155). This variant has not been reported in a large population database, indicating this variant is rare. Although we suspect that this variant may be pathogenic, at this time, the clinical significance of this variant is uncertain due to the absence of conclusive functional and genetic evidence.

NM_003361.4(UMOD):c.254A>G (p.Asn85Ser)

Gene: UMOD (uromodulin; minus strand). Cytogenetic location: 16p12.3.
Variant type: single nucleotide variant.
Coding change: c.254A>G on transcript NM_003361.4 (MANE Select); coding-DNA position 254, A replaced by G.
Protein change: p.Asn85Ser; replaces asparagine 85 with serine.
Molecular consequence: missense variant. On other transcripts: non-coding transcript variant (1).
Genome position (GRCh38, 1-based): chr16:20,349,047, T>C on the plus strand (A>G on the coding strand, the complement: UMOD is on the minus strand). VCF-style: chr16-20349047-T-C. GRCh37 (hg19) VCF-style: chr16-20360369-T-C.
Other names: c.254A>G, p.Asn85Ser (NM_001008389.3, NM_001378232.1, NM_001378233.1 and 3 more transcripts); c.353A>G, p.Asn118Ser (NM_001278614.2); c.254A>G (NM_003361.3); short protein forms N85S, N118S.
Identifiers: ClinVar variation 384591 (VCV000384591.3), dbSNP rs1057522004, ClinGen allele CA16607268.
Genomic context (GRCh38, chr16:20,349,047, plus strand): 5'-CCGAGACCGGGCGACAGGCGGAAGCCTTCGGGGCAGACGCAGGAGAAGGAGCCTGGCGTG[T>C]TTACGCAGCTGCTGTTGGCGGAGCAGTTGTGAGCTCCAGGAATGGCGCACTCATCCAGGT-3'
Protein context (NP_003352.2, residues 75-95): HNCSANSSCV[Asn85Ser]TPGSFSCVCP